The following is an entry in ClinVar:

ClinVar aggregate classification (germline): Uncertain significance (1 of 4 stars; one submission).

Conditions:
Glucose-6-phosphate transport defect (GSD1B). Also called: GSD Ib; Glycogen Storage Disease Type Ib. Identifiers: Orphanet 364, Orphanet 79259, MedGen C0268146, MONDO:0009288, OMIM 232220.

Submission:

Labcorp Genetics (formerly Invitae), Labcorp
Classification: Uncertain significance for Glucose-6-phosphate transport defect. Last evaluated: 2022-07-15. Review status: criteria provided, single submitter. Criteria: Invitae Variant Classification Sherloc (09022015). Collection method: clinical testing. Allele origin: germline.
Comment: This sequence change replaces alanine, which is neutral and non-polar, with proline, which is neutral and non-polar, at codon 367 of the SLC37A4 protein (p.Ala367Pro). This variant is not present in population databases (gnomAD no frequency). This variant has not been reported in the literature in individuals affected with SLC37A4-related conditions. This variant disrupts the p.Ala367 amino acid residue in SLC37A4. Other variant(s) that disrupt this residue have been determined to be pathogenic (PMID: 10923042, 12444104, 18835800, 32300528; SOURCE: 10518030). This suggests that this residue is clinically significant, and that variants that disrupt this residue are likely to be disease-causing. In summary, the available evidence is currently insufficient to determine the role of this variant in disease. Therefore, it has been classified as a Variant of Uncertain Significance.

Literature cited by the submitters: PubMed 10923042; PubMed 12444104; PubMed 18835800; PubMed 32300528; PubMed 10518030.

NM_001164277.2(SLC37A4):c.1099G>C (p.Ala367Pro)

Gene: SLC37A4 (solute carrier family 37 member 4; minus strand). Cytogenetic location: 11q23.3.
Variant type: single nucleotide variant.
Coding change: c.1099G>C on transcript NM_001164277.2 (MANE Select); coding-DNA position 1099, G replaced by C.
Protein change: p.Ala367Pro; replaces alanine 367 with proline.
Molecular consequence: missense variant.
Genome position (GRCh38, 1-based): chr11:119,025,215, C>G on the plus strand (G>C on the coding strand, the complement: SLC37A4 is on the minus strand). VCF-style: chr11-119025215-C-G. GRCh37 (hg19) VCF-style: chr11-118895925-C-G.
Other names: c.1165G>C, p.Ala389Pro (NM_001164278.2); c.880G>C, p.Ala294Pro (NM_001164279.2); c.1099G>C, p.Ala367Pro (NM_001164280.2, NM_001467.6); short protein forms A367P, A294P, A389P.
Identifiers: ClinVar variation 2017227 (VCV002017227.4), dbSNP rs80356492, ClinGen allele CA382895394.